The following is an entry in ClinVar:

NM_015267.4(CUX2):c.3296G>A (p.Gly1099Glu)

Gene: CUX2 (cut like homeobox 2; plus strand). Cytogenetic location: 12q24.12.
Variant type: single nucleotide variant.
Coding change: c.3296G>A on transcript NM_015267.4 (MANE Select); coding-DNA position 3296, G replaced by A.
Protein change: p.Gly1099Glu; replaces glycine 1099 with glutamic acid.
Molecular consequence: missense variant.
Genome position (GRCh38, 1-based): chr12:111,338,385, G>A. VCF-style: chr12-111338385-G-A. GRCh37 (hg19) VCF-style: chr12-111776189-G-A.
Other names: c.3110G>A, p.Gly1037Glu (NM_001370598.1); short protein forms G1037E, G1099E.
Identifiers: ClinVar variation 3373516 (VCV003373516.1).

ClinVar aggregate classification (germline): Uncertain significance (1 of 4 stars; one submission).

gnomAD v4.1: 1 of 1,614,128 alleles (0.000062%); highest among the groups gnomAD compares: Non-Finnish European, 0.000085%; no homozygotes.

Submission:

GeneDx
Classification: Uncertain significance. Last evaluated: 2024-03-05. Review status: criteria provided, single submitter. Criteria: GeneDx Variant Classification Process June 2021. Collection method: clinical testing. Allele origin: germline. Affected: yes.
Comment: Not observed at significant frequency in large population cohorts (gnomAD); In silico analysis supports that this missense variant has a deleterious effect on protein structure/function; Has not been previously published as pathogenic or benign to our knowledge